The following is an entry in ClinVar:

ClinVar aggregate classification (germline): Uncertain significance (1 of 4 stars; one submission).

gnomAD v4.1: 2 of 1,606,272 alleles (0.00012%); highest among the groups gnomAD compares: Non-Finnish European, 0.000085%; no homozygotes.

Submission:

Ambry Genetics
Classification: Uncertain significance. Last evaluated: 2024-12-09. Review status: criteria provided, single submitter. Criteria: Ambry Variant Classification Scheme 2023. Collection method: clinical testing. Allele origin: germline.
Comment: The p.D11G variant (also known as c.32A>G), located in coding exon 1 of the NEBL gene, results from an A to G substitution at nucleotide position 32. The aspartic acid at codon 11 is replaced by glycine, an amino acid with similar properties. This amino acid position is conserved. In addition, this alteration is predicted to be tolerated by in silico analysis. Based on the available evidence, the clinical significance of this variant remains unclear.

NM_006393.3(NEBL):c.32A>G (p.Asp11Gly)

Gene: NEBL (nebulette; minus strand). Cytogenetic location: 10p12.31.
Variant type: single nucleotide variant.
Coding change: c.32A>G on transcript NM_006393.3 (MANE Select); coding-DNA position 32, A replaced by G.
Protein change: p.Asp11Gly; replaces aspartic acid 11 with glycine.
Molecular consequence: missense variant. On other transcripts: intron variant (9).
Genome position (GRCh38, 1-based): chr10:20,897,174, T>C on the plus strand (A>G on the coding strand, the complement: NEBL is on the minus strand). VCF-style: chr10-20897174-T-C. GRCh37 (hg19) VCF-style: chr10-21186103-T-C.
Other names: c.249+64498A>G (NM_001377326.1, NM_001377327.1, NM_001377328.1); c.357+64498A>G (NM_213569.2, NM_001173484.2, NM_001377322.1); c.300+64498A>G (NM_001377324.1); c.291+64498A>G (NM_001377325.1); c.309+64498A>G (NM_001377323.1); short protein forms D11G.
Identifiers: ClinVar variation 3404023 (VCV003404023.1).